The following is an entry in ClinVar:

ClinVar aggregate classification (germline): Uncertain significance. Review status: criteria provided, multiple submitters, no conflicts (2 of 4 stars). 2 submissions from 2 submitters: Uncertain significance (2). Last evaluated 2021-12-08.

Conditions:
Ehlers-Danlos syndrome (EDS). Identifiers: Orphanet 98249, MedGen C0013720, MONDO:0020066.

Allele frequency attached by ClinVar (database versions not stated): gnomAD exomes below 0.00001 and 0.00001.
gnomAD v4.1: 4 of 1,549,920 alleles (0.00026%); highest among the groups gnomAD compares: Middle Eastern, 0.017%; no homozygotes.

Submissions (2):

Genome Diagnostics Laboratory, The Hospital for Sick Children
Classification: Uncertain significance for Ehlers-Danlos syndrome. Last evaluated: 2021-12-08. Review status: criteria provided, single submitter. Criteria: ACMG Guidelines, 2015. Collection method: clinical testing. Allele origin: germline.

GeneDx
Classification: Uncertain significance. Last evaluated: 2019-09-20. Review status: criteria provided, single submitter. Criteria: GeneDx Variant Classification Process June 2021. Collection method: clinical testing. Allele origin: germline. Affected: yes.
Comment: Has not been previously published as pathogenic or benign to our knowledge; Not observed at a significant frequency in large population cohorts (Lek et al., 2016); In silico analysis, which includes protein predictors and evolutionary conservation, supports a deleterious effect

NM_001367624.2(ZNF469):c.608C>T (p.Pro203Leu)

Gene: ZNF469 (zinc finger protein 469; plus strand). Cytogenetic location: 16q24.2.
Variant type: single nucleotide variant.
Coding change: c.608C>T on transcript NM_001367624.2 (MANE Select); coding-DNA position 608, C replaced by T.
Protein change: p.Pro203Leu; replaces proline 203 with leucine.
Molecular consequence: missense variant.
Genome position (GRCh38, 1-based): chr16:88,428,078, C>T. VCF-style: chr16-88428078-C-T. GRCh37 (hg19) VCF-style: chr16-88494486-C-T.
Other names: NM_001127464.1:c.608C>T; NM_001127464.2:c.608C>T; short protein forms P203L.
Identifiers: ClinVar variation 1197661 (VCV001197661.5), dbSNP rs1189536062, ClinGen allele CA397061109.